The following is an entry in ClinVar:

NM_020699.4(GATAD2B):c.1637_1638del (p.Leu546fs)

Gene: GATAD2B (GATA zinc finger domain containing 2B; minus strand). Cytogenetic location: 1q21.3.
Variant type: Deletion.
Coding change: c.1637_1638del on transcript NM_020699.4 (MANE Select); coding-DNA positions 1637 to 1638, 2 bases deleted (TT; older notation c.1637_1638delTT).
Protein change: p.Leu546fs; shifts the reading frame from leucine 546.
Molecular consequence: frameshift variant.
Genome position (GRCh38, 1-based): chr1:153,811,741-153,811,742, AA deleted on the plus strand (TT on the coding strand, the reverse complement: GATAD2B is on the minus strand). VCF-style (leftmost placement, unchanged base first): chr1-153811740-CAA-C. GRCh37 (hg19) VCF-style: chr1-153784216-CAA-C.
Other names: short protein forms L546fs.
Identifiers: ClinVar variation 4082977 (VCV004082977.1).

ClinVar aggregate classification (germline): Uncertain significance (1 of 4 stars; one submission).

Submission:

GeneDx
Classification: Uncertain significance. Last evaluated: 2025-03-10. Review status: criteria provided, single submitter. Criteria: GeneDx Variant Classification Process June 2021. Collection method: clinical testing. Allele origin: germline. Affected: yes.
Comment: Not observed at significant frequency in large population cohorts (gnomAD); Frameshift variant predicted to result in abnormal protein length as the last 48 amino acid(s) are replaced with 27 different amino acid(s); Has not been previously published as pathogenic or benign to our knowledge